The following is an entry in ClinVar:

NM_001267550.2(TTN):c.81701G>A (p.Gly27234Glu)

Genes: TTN (titin; minus strand), TTN-AS1 (TTN antisense RNA 1; plus strand). Cytogenetic location: 2q31.2.
Variant type: single nucleotide variant.
Coding change: c.81701G>A on transcript NM_001267550.2 (MANE Select); coding-DNA position 81701, G replaced by A.
Protein change: p.Gly27234Glu; replaces glycine 27234 with glutamic acid.
Molecular consequence: missense variant.
Genome position (GRCh38, 1-based): chr2:178,564,431, C>T on the plus strand (G>A on the coding strand, the complement: TTN is on the minus strand). VCF-style: chr2-178564431-C-T. GRCh37 (hg19) VCF-style: chr2-179429158-C-T.
Other names: p.G25593E:GGA>GAA; c.76778G>A, p.Gly25593Glu (NM_001256850.1); c.54506G>A, p.Gly18169Glu (NM_003319.4); c.73997G>A, p.Gly24666Glu (NM_133378.4); c.54881G>A, p.Gly18294Glu (NM_133432.3); c.55082G>A, p.Gly18361Glu (NM_133437.4); short protein forms G25593E, G27234E, G18169E, G24666E, G18361E, G18294E.
Identifiers: ClinVar variation 202908 (VCV000202908.16), dbSNP rs372189553, ClinGen allele CA310656.

ClinVar aggregate classification (germline): Uncertain significance. Review status: criteria provided, multiple submitters, no conflicts (2 of 4 stars). 3 submissions from 3 submitters: Uncertain significance (3). Last evaluated 2026-09-06.

Conditions:
TTN-related disorder. Also called: TTN-related condition; TTN-related disease; TTN-related disorders.

Allele frequency attached by ClinVar (database versions not stated): TOPMed 0.00002; ExAC 0.00003; gnomAD exomes 0.00004; gnomAD 0.00005; ESP Exome Variant Server 0.00017.
gnomAD v4.1: 64 of 1,612,804 alleles (0.004%); highest among the groups gnomAD compares: Non-Finnish European, 0.0047%; no homozygotes.

Submissions (3):

PreventionGenetics, part of Exact Sciences
Classification: Uncertain significance for TTN-related condition. Last evaluated: 2026-09-06. Review status: criteria provided, single submitter. Criteria: ACMG Guidelines, 2015. Collection method: clinical testing. Allele origin: germline.
Comment: The TTN c.81701G>A variant is predicted to result in the amino acid substitution p.Gly27234Glu. To our knowledge, this variant has not been reported in the literature. This variant is reported in 0.0079% of alleles in individuals of European (Non-Finnish) descent in gnomAD. At this time, the clinical significance of this variant is uncertain due to the absence of conclusive functional and genetic evidence.

CeGaT Center for Human Genetics Tuebingen
Classification: Uncertain significance. Last evaluated: 2025-02-01. Review status: criteria provided, single submitter. Criteria: CeGaT Center For Human Genetics Tuebingen Variant Classification Criteria Version 2. Collection method: clinical testing. Allele origin: germline. Affected: yes. Observed: 1 variant allele.
Comment: TTN: PM2

GeneDx
Classification: Uncertain significance. Last evaluated: 2014-02-21. Review status: criteria provided, single submitter. Criteria: GeneDx Variant Classification (06012015). Collection method: clinical testing. Allele origin: germline. Affected: yes.
Comment: Missense variants in the TTN gene are considered 'unclassified' if they are not previously reported in the literature and do not have >1% frequency in the population to be considered a polymorphism. Research indicates that truncating mutations in the TTN gene are expected to account for approximately 25% of familial and 18% of sporadic idiopathic DCM; however, truncating variants in the TTN gene have been reported in approximately 3% of reported control alleles. There has been little investigation into non-truncating variants. (Herman D et al. Truncations of titin causing dilated cardiomyopathy. N Eng J Med 366:619-628, 2012) The variant is found in DCM-CRDM panel(s).